The following is an entry in ClinVar:

ClinVar aggregate classification (germline): Uncertain significance. Review status: criteria provided, single submitter (1 of 4 stars). 2 submissions from 2 submitters: Uncertain significance (1). 1 of the submissions does not count toward it. Last evaluated 2024-03-22.

Conditions:
Laryngo-onycho-cutaneous syndrome (JEB2C). Also called: SHABBIR SYNDROME; EPIDERMOLYSIS BULLOSA, JUNCTIONAL 2C, LARYNGOONYCHOCUTANEOUS; LOGIC SYNDROME. Identifiers: Orphanet 2407, MedGen C1328355, MONDO:0009513, OMIM 245660.

Allele frequency attached by ClinVar (database versions not stated): gnomAD exomes below 0.00001; gnomAD 0.00001; TOPMed 0.00001.
gnomAD v4.1: 2 of 1,614,004 alleles (0.00012%); highest among the groups gnomAD compares: Non-Finnish European, 0.00017%; no homozygotes.

Submissions (2):

Women's Health and Genetics/Laboratory Corporation of America, LabCorp
Classification: Uncertain significance. Last evaluated: 2024-03-22. Review status: criteria provided, single submitter. Criteria: LabCorp Variant Classification Summary - May 2015. Collection method: clinical testing. Allele origin: germline.
Comment: Variant summary: LAMA3 c.50T>A (p.Ile17Asn) results in a non-conservative amino acid change in the encoded protein sequence. Four of five in-silico tools predict a damaging effect of the variant on protein function. The variant was absent in 251484 control chromosomes (gnomAD). The available data on variant occurrences in the general population are insufficient to allow any conclusion about variant significance. c.50T>A has been reported in the literature in at-least one individual affected with laryngo-onycho-cutaneous syndrome (example: Varki_2006, Figueira_2007). These data do not allow any conclusion about variant significance. To our knowledge, no experimental evidence demonstrating an impact on protein function has been reported. The following publications have been ascertained in the context of this evaluation (PMID: 17362460, 16473856). No submitters have cited clinical-significance assessments for this variant to ClinVar. Based on the evidence outlined above, the variant was classified as uncertain significance.

OMIM
Classification: Pathogenic for EPIDERMOLYSIS BULLOSA, JUNCTIONAL 2C, LARYNGOONYCHOCUTANEOUS. Last evaluated: 2023-12-04. Review status: no assertion criteria provided. Collection method: literature only. Allele origin: germline. Not counted in ClinVar's aggregate classification.

Literature cited by the submitters: PubMed 17362460 (cited by Women's Health and Genetics/Laboratory Corporation of America, LabCorp and OMIM); PubMed 16473856 (cited by Women's Health and Genetics/Laboratory Corporation of America, LabCorp).

NM_000227.6(LAMA3):c.50T>A (p.Ile17Asn)

Genes: LAMA3 (laminin subunit alpha 3; plus strand), LOC126862707 (MED14-independent group 3 enhancer GRCh37_chr18:21452354-21453553; plus strand). Cytogenetic location: 18q11.2.
Variant type: single nucleotide variant.
Coding change: c.50T>A on transcript NM_000227.6 (MANE Plus Clinical); coding-DNA position 50, T replaced by A.
Protein change: p.Ile17Asn; replaces isoleucine 17 with asparagine.
Molecular consequence: missense variant. On other transcripts: intron variant (2).
Genome position (GRCh38, 1-based): chr18:23,873,094, T>A. VCF-style: chr18-23873094-T-A. GRCh37 (hg19) VCF-style: chr18-21453058-T-A.
Other names: I17N; c.50T>A, p.Ile17Asn (NM_001127718.4); c.4998+1433T>A (NM_198129.4, NM_001127717.4).
Identifiers: ClinVar variation 2664333 (VCV002664333.3), dbSNP rs1052659025, ClinGen allele CA297091101.